The following is an entry in ClinVar:

ClinVar aggregate classification (germline): Uncertain significance. Review status: criteria provided, multiple submitters, no conflicts (2 of 4 stars). 2 submissions from 2 submitters: Uncertain significance (2). Last evaluated 2025-04-08.

Conditions:
Drash syndrome (DDS). Also called: NEPHROPATHY, WILMS TUMOR, AND GENITAL ANOMALIES; WILMS TUMOR AND PSEUDO- OR TRUE HERMAPHRODITISM. Identifiers: Orphanet 220, MedGen C0950121, MONDO:0008682, OMIM 194080.
Wilms tumor 1 (WT1). Also called: Wilms tumor, somatic. Identifiers: Orphanet 654, MedGen CN033288, MONDO:0008679, OMIM 194070.
Frasier syndrome. Identifiers: Orphanet 347, MedGen C0950122, MeSH D052159, MONDO:0007635, OMIM 136680.
11p partial monosomy syndrome (WAGR). Also called: CHROMOSOME 11p13 DELETION SYNDROME; WAGR Spectrum Disorder; WAGR syndrome; WAGR Complex. Identifiers: Orphanet 893, MedGen C0206115, MONDO:0008681, OMIM 194072.
Inborn genetic diseases. Identifiers: MedGen C0950123, MeSH D030342.

Submissions (2):

Labcorp Genetics (formerly Invitae), Labcorp
Classification: Uncertain significance for Wilms tumor 1; Drash syndrome; 11p partial monosomy syndrome; Frasier syndrome. Last evaluated: 2025-04-08. Review status: criteria provided, single submitter. Criteria: Invitae Variant Classification Sherloc (09022015). Collection method: clinical testing. Allele origin: germline.
Comment: This sequence change replaces alanine, which is neutral and non-polar, with serine, which is neutral and polar, at codon 172 of the WT1 protein (p.Ala172Ser). This variant is not present in population databases (gnomAD no frequency). This variant has not been reported in the literature in individuals affected with WT1-related conditions. ClinVar contains an entry for this variant (Variation ID: 2931972). Invitae Evidence Modeling of protein sequence and biophysical properties (such as structural, functional, and spatial information, amino acid conservation, physicochemical variation, residue mobility, and thermodynamic stability) has been performed for this missense variant. However, the output from this modeling did not meet the statistical confidence thresholds required to predict the impact of this variant on WT1 protein function. In summary, the available evidence is currently insufficient to determine the role of this variant in disease. Therefore, it has been classified as a Variant of Uncertain Significance.

Ambry Genetics
Classification: Uncertain significance for Inborn genetic diseases. Last evaluated: 2025-01-25. Review status: criteria provided, single submitter. Criteria: Ambry Variant Classification Scheme 2023. Collection method: clinical testing. Allele origin: germline.
Comment: The p.A172S variant (also known as c.514G>T), located in coding exon 1 of the WT1 gene, results from a G to T substitution at nucleotide position 514. The alanine at codon 172 is replaced by serine, an amino acid with similar properties. This amino acid position is conserved. In addition, this alteration is predicted to be tolerated by in silico analysis. Based on the available evidence, the clinical significance of this variant remains unclear.

NM_024426.6(WT1):c.529G>T (p.Ala177Ser)

Genes: WT1 (WT1 transcription factor; minus strand), LOC107982234 (WT1/WT1-AS bi-directional promoter region; plus strand). Cytogenetic location: 11p13.
Variant type: single nucleotide variant.
Coding change: c.529G>T on transcript NM_024426.6 (MANE Select); coding-DNA position 529, G replaced by T.
Protein change: p.Ala177Ser; replaces alanine 177 with serine.
Molecular consequence: missense variant. On other transcripts: non-coding transcript variant (2).
Genome position (GRCh38, 1-based): chr11:32,434,832, C>A on the plus strand (G>T on the coding strand, the complement: WT1 is on the minus strand). VCF-style: chr11-32434832-C-A. GRCh37 (hg19) VCF-style: chr11-32456378-C-A.
Other names: c.529G>T, p.Ala177Ser (NM_000378.6, NM_001407044.1, NM_001407045.1 and 6 more transcripts); c.514G>T, p.Ala172Ser (NM_024425.2); c.514G>T (NM_024426.4); short protein forms A172S, A177S.
Identifiers: ClinVar variation 2931972 (VCV002931972.4), dbSNP rs1853441869, ClinGen allele CA379964765.